The following is an entry in ClinVar:

ClinVar aggregate classification (germline): Likely pathogenic (1 of 4 stars; one submission).

Conditions:
Developmental and epileptic encephalopathy, 42 (DEE42A). Also called: EPILEPTIC ENCEPHALOPATHY, EARLY INFANTILE, 42A; DEVELOPMENTAL AND EPILEPTIC ENCEPHALOPATHY 42A; Epileptic encephalopathy, early infantile, 42. Identifiers: MedGen C4310716, MONDO:0014917, OMIM 617106.

Submission:

3billion
Classification: Likely pathogenic for Developmental and epileptic encephalopathy, 42. Review status: criteria provided, single submitter. Criteria: ACMG Guidelines, 2015. Collection method: clinical testing. Allele origin: unknown. Affected: yes. Observed: 1 heterozygote.
Comment: The variant is not observed in the gnomAD v2.1.1 dataset. The variant is predicted to result in a loss or disruption of normal protein function through nonsense-mediated decay (NMD) or protein truncation. Multiple pathogenic variants are reported downstream of the variant. Therefore, this variant is classified as Likely pathogenic according to the recommendation of ACMG/AMP guideline.

NM_001127222.2(CACNA1A):c.4215C>A (p.Cys1405Ter)

Genes: CACNA1A (calcium voltage-gated channel subunit alpha1 A; minus strand), LOC126862864 (MED14-independent group 3 enhancer GRCh37_chr19:13371552-13372751; plus strand). Cytogenetic location: 19p13.13.
Variant type: single nucleotide variant.
Coding change: c.4215C>A on transcript NM_001127222.2 (MANE Select); coding-DNA position 4215, C replaced by A.
Protein change: p.Cys1405Ter; replaces cysteine 1405 with a stop codon.
Molecular consequence: nonsense.
Genome position (GRCh38, 1-based): chr19:13,261,485, G>T on the plus strand (C>A on the coding strand, the complement: CACNA1A is on the minus strand). VCF-style: chr19-13261485-G-T. GRCh37 (hg19) VCF-style: chr19-13372299-G-T.
Other names: c.4227C>A, p.Cys1409Ter (NM_000068.4, NM_023035.3); c.4218C>A, p.Cys1406Ter (NM_001127221.2, NM_001174080.2); short protein forms C1405*, C1406*, C1409*.
Identifiers: ClinVar variation 2572485 (VCV002572485.1), dbSNP rs2512759230, ClinGen allele CA404339607.